The following is an entry in ClinVar:

NM_004380.3(CREBBP):c.3719G>A (p.Cys1240Tyr)

Gene: CREBBP (CREB binding lysine acetyltransferase; minus strand). Cytogenetic location: 16p13.3.
Variant type: single nucleotide variant.
Coding change: c.3719G>A on transcript NM_004380.3 (MANE Select); coding-DNA position 3719, G replaced by A.
Protein change: p.Cys1240Tyr; replaces cysteine 1240 with tyrosine.
Molecular consequence: missense variant.
Genome position (GRCh38, 1-based): chr16:3,751,786, C>T on the plus strand (G>A on the coding strand, the complement: CREBBP is on the minus strand). VCF-style: chr16-3751786-C-T. GRCh37 (hg19) VCF-style: chr16-3801787-C-T.
Other names: c.3605G>A, p.Cys1202Tyr (NM_001079846.1); short protein forms C1202Y, C1240Y.
Identifiers: ClinVar variation 694819 (VCV000694819.9), dbSNP rs1596839714, ClinGen allele CA394568097.

ClinVar aggregate classification (germline): Pathogenic/Likely pathogenic. Review status: criteria provided, multiple submitters, no conflicts (2 of 4 stars). 3 submissions from 3 submitters: Pathogenic (1); Likely pathogenic (1). 1 of the submissions does not count toward it. Last evaluated 2025-08-21.

Conditions:
Rubinstein-Taybi syndrome due to CREBBP mutations (RSTS1). Also called: BROAD THUMBS AND GREAT TOES, CHARACTERISTIC FACIES, AND IMPAIRED INTELLECTUAL DEVELOPMENT; BROAD THUMB-HALLUX SYNDROME; RUBINSTEIN SYNDROME; RUBINSTEIN-TAYBI SYNDROME 1, INCOMPLETE; CREBBP-Related Rubinstein-Taybi Syndrome; Rubinstein-Taybi syndrome 1. Identifiers: Orphanet 353277, Orphanet 783, MedGen C4551859, MONDO:0008393, OMIM 180849.
Rubinstein-Taybi syndrome (RSTS). Identifiers: Orphanet 783, MedGen C0035934, MONDO:0019188.

Submissions (3):

Labcorp Genetics (formerly Invitae), Labcorp
Classification: Pathogenic for Rubinstein-Taybi syndrome. Last evaluated: 2025-08-21. Review status: criteria provided, single submitter. Criteria: Invitae Variant Classification Sherloc (09022015). Collection method: clinical testing. Allele origin: germline.
Comment: This sequence change replaces cysteine, which is neutral and slightly polar, with tyrosine, which is neutral and polar, at codon 1240 of the CREBBP protein (p.Cys1240Tyr). This variant is not present in population databases (gnomAD no frequency). This missense change has been observed in individual(s) with clinical features of Rubinstein-Taybi syndrome (PMID: 33063428). In at least one individual the variant was observed to be de novo. ClinVar contains an entry for this variant (Variation ID: 694819). Invitae Evidence Modeling of protein sequence and biophysical properties (such as structural, functional, and spatial information, amino acid conservation, physicochemical variation, residue mobility, and thermodynamic stability) indicates that this missense variant is expected to disrupt CREBBP protein function with a positive predictive value of 95%. For these reasons, this variant has been classified as Pathogenic.

Institute of Human Genetics, University of Leipzig Medical Center
Classification: Likely pathogenic for Rubinstein-Taybi syndrome due to CREBBP mutations. Last evaluated: 2019-01-01. Review status: criteria provided, single submitter. Criteria: ACMG Guidelines, 2015. Collection method: clinical testing. Allele origin: unknown. Affected: yes.

Wessex Regional Genetics Laboratory, Salisbury District Hospital
Classification: Likely pathogenic for Rubinstein-Taybi syndrome due to CREBBP mutations. Last evaluated: 2019-11-05. Review status: no assertion criteria provided. Criteria: ACMG Guidelines, 2015. Collection method: clinical testing. Allele origin: de novo. Inheritance: Autosomal dominant inheritance. Affected: yes. Not counted in ClinVar's aggregate classification.

Literature cited by the submitters: PubMed 33063428 (cited by Labcorp Genetics (formerly Invitae), Labcorp).